The following is an entry in ClinVar:

NM_001291303.3(FAT4):c.377G>A (p.Arg126Gln)

Gene: FAT4 (FAT atypical cadherin 4; plus strand). Cytogenetic location: 4q28.1.
Variant type: single nucleotide variant.
Coding change: c.377G>A on transcript NM_001291303.3 (MANE Select); coding-DNA position 377, G replaced by A.
Protein change: p.Arg126Gln; replaces arginine 126 with glutamine.
Molecular consequence: missense variant.
Genome position (GRCh38, 1-based): chr4:125,316,788, G>A. VCF-style: chr4-125316788-G-A. GRCh37 (hg19) VCF-style: chr4-126237943-G-A.
Other names: c.377G>A, p.Arg126Gln (NM_001291285.3, NM_024582.6); short protein forms R126Q.
Identifiers: ClinVar variation 1912191 (VCV001912191.5), dbSNP rs755876892, ClinGen allele CA3071798.

ClinVar aggregate classification (germline): Uncertain significance (1 of 4 stars; one submission).

Allele frequency attached by ClinVar (database versions not stated): ExAC 0.00001.

Submission:

Labcorp Genetics (formerly Invitae), Labcorp
Classification: Uncertain significance. Last evaluated: 2024-04-29. Review status: criteria provided, single submitter. Criteria: Invitae Variant Classification Sherloc (09022015). Collection method: clinical testing. Allele origin: germline.
Comment: This sequence change replaces arginine, which is basic and polar, with glutamine, which is neutral and polar, at codon 126 of the FAT4 protein (p.Arg126Gln). The frequency data for this variant in the population databases is considered unreliable, as metrics indicate poor data quality at this position in the gnomAD database. This variant has not been reported in the literature in individuals affected with FAT4-related conditions. ClinVar contains an entry for this variant (Variation ID: 1912191). Advanced modeling of protein sequence and biophysical properties (such as structural, functional, and spatial information, amino acid conservation, physicochemical variation, residue mobility, and thermodynamic stability) performed at Invitae indicates that this missense variant is not expected to disrupt FAT4 protein function with a negative predictive value of 95%. In summary, the available evidence is currently insufficient to determine the role of this variant in disease. Therefore, it has been classified as a Variant of Uncertain Significance.